The following is an entry in ClinVar:

ClinVar aggregate classification (germline): Uncertain significance (1 of 4 stars; one submission).

Conditions:
Diffuse cerebral and cerebellar atrophy - intractable seizures - progressive microcephaly syndrome. Also called: Microcephaly, progressive, with seizures and cerebral and cerebellar atrophy. Identifiers: Orphanet 404437, MedGen C4014239, MONDO:0014335, OMIM 615760.

Submission:

Labcorp Genetics (formerly Invitae), Labcorp
Classification: Uncertain significance for Diffuse cerebral and cerebellar atrophy - intractable seizures - progressive microcephaly syndrome. Last evaluated: 2022-07-12. Review status: criteria provided, single submitter. Criteria: Invitae Variant Classification Sherloc (09022015). Collection method: clinical testing. Allele origin: germline.
Comment: This sequence change falls in intron 11 of the QARS gene. It does not directly change the encoded amino acid sequence of the QARS protein. It affects a nucleotide within the consensus splice site. This variant is not present in population databases (gnomAD no frequency). In summary, the available evidence is currently insufficient to determine the role of this variant in disease. Therefore, it has been classified as a Variant of Uncertain Significance. Variants that disrupt the consensus splice site are a relatively common cause of aberrant splicing (PMID: 17576681, 9536098). Algorithms developed to predict the effect of sequence changes on RNA splicing suggest that this variant may disrupt the consensus splice site. ClinVar contains an entry for this variant (Variation ID: 842259). This variant has not been reported in the literature in individuals affected with QARS-related conditions.

Literature cited by the submitters: PubMed 17576681; PubMed 9536098.

NM_005051.3(QARS1):c.977-3C>G

Gene: QARS1 (glutaminyl-tRNA synthetase 1; minus strand). Cytogenetic location: 3p21.31.
Variant type: single nucleotide variant.
Coding change: c.977-3C>G on transcript NM_005051.3 (MANE Select); 3 bases into the intron before coding-DNA position 977, C replaced by G.
Molecular consequence: intron variant.
Genome position (GRCh38, 1-based): chr3:49,100,461, G>C on the plus strand (C>G on the coding strand, the complement: QARS1 is on the minus strand). VCF-style: chr3-49100461-G-C. GRCh37 (hg19) VCF-style: chr3-49137894-G-C.
Other names: c.944-3C>G (NM_001272073.2).
Identifiers: ClinVar variation 842259 (VCV000842259.6), dbSNP rs1333221962, ClinGen allele CA916082575.